The following is an entry in ClinVar:

ClinVar aggregate classification (germline): Uncertain significance (1 of 4 stars; one submission).

gnomAD v4.1: 9 of 1,555,096 alleles (0.00058%); highest among the groups gnomAD compares: African/African-American, 0.011%; no homozygotes.

Submission:

Women's Health and Genetics/Laboratory Corporation of America, LabCorp
Classification: Uncertain significance. Last evaluated: 2024-11-13. Review status: criteria provided, single submitter. Criteria: LabCorp Variant Classification Summary - May 2015. Collection method: clinical testing. Allele origin: germline.
Comment: Variant summary: KDM6B c.4165+4C>A alters a non-conserved nucleotide located close to a canonical splice site and therefore could affect mRNA splicing, leading to a significantly altered protein sequence. Consensus agreement among computation tools predict no significant impact on normal splicing. However, these predictions have yet to be confirmed by functional studies. The variant allele was found at a frequency of 5.8e-06 in 1548176 control chromosomes in the gnomAD database (v4.1 dataset). The available data on variant occurrences in the general population are insufficient to allow any conclusion about variant significance. To our knowledge, no occurrence of c.4165+4C>A in individuals affected with Neurodevelopmental Disorder With Coarse Facies And Mild Distal Skeletal Abnormalities and no experimental evidence demonstrating its impact on protein function have been reported. No submitters have cited clinical-significance assessments for this variant to ClinVar. Based on the evidence outlined above, the variant was classified as uncertain significance.

NM_001348716.2(KDM6B):c.4165+4C>A

Genes: KDM6B (lysine demethylase 6B; plus strand), LOC121587574 (Sharpr-MPRA regulatory region 3930; plus strand). Cytogenetic location: 17p13.1.
Variant type: single nucleotide variant.
Coding change: c.4165+4C>A on transcript NM_001348716.2 (MANE Select); 4 bases into the intron after coding-DNA position 4165, C replaced by A.
Molecular consequence: intron variant.
Genome position (GRCh38, 1-based): chr17:7,851,800, C>A. VCF-style: chr17-7851800-C-A. GRCh37 (hg19) VCF-style: chr17-7755118-C-A.
Other names: c.4165+4C>A (NM_001080424.2).
Identifiers: ClinVar variation 3629643 (VCV003629643.1).